The following is an entry in ClinVar:

NM_003070.5(SMARCA2):c.275G>T (p.Gly92Val)

Gene: SMARCA2 (SWI/SNF related BAF chromatin remodeling complex subunit ATPase 2; plus strand). Cytogenetic location: 9p24.3.
Variant type: single nucleotide variant.
Coding change: c.275G>T on transcript NM_003070.5 (MANE Select); coding-DNA position 275, G replaced by T.
Protein change: p.Gly92Val; replaces glycine 92 with valine.
Molecular consequence: missense variant.
Genome position (GRCh38, 1-based): chr9:2,033,001, G>T. VCF-style: chr9-2033001-G-T. GRCh37 (hg19) VCF-style: chr9-2033001-G-T.
Other names: c.275G>T, p.Gly92Val (NM_001289396.2, NM_001289397.2, NM_139045.4); short protein forms G92V.
Identifiers: ClinVar variation 3897099 (VCV003897099.1).
Genomic context (GRCh38, chr9:2,033,001, plus strand): 5'-AAATGTTTCAGCCCATCGATGGTATACATGACAAGGGGATTGTAGAAGACATCCATTGTG[G>T]ATCCATGAAGGGCACTGGTATGCGACCACCTCACCCAGGCATGGGCCCTCCCCAGAGTCC-3'
Protein context (NP_003061.3, residues 82-102): DKGIVEDIHC[Gly92Val]SMKGTGMRPP

ClinVar aggregate classification (germline): Uncertain significance (1 of 4 stars; one submission).

gnomAD v4.1: 1 of 1,613,984 alleles (0.000062%); highest among the groups gnomAD compares: African/African-American, 0.0013%; no homozygotes.

Submission:

GeneDx
Classification: Uncertain significance. Last evaluated: 2024-11-04. Review status: criteria provided, single submitter. Criteria: GeneDx Variant Classification Process June 2021. Collection method: clinical testing. Allele origin: germline. Affected: yes.
Comment: In silico analysis supports that this missense variant has a deleterious effect on protein structure/function; Has not been previously published as pathogenic or benign to our knowledge